The following is an entry in ClinVar:

NM_000257.4(MYH7):c.3318G>T (p.Lys1106Asn)

Gene: MYH7 (myosin heavy chain 7; minus strand). Cytogenetic location: 14q11.2.
Variant type: single nucleotide variant.
Coding change: c.3318G>T on transcript NM_000257.4 (MANE Select); coding-DNA position 3318, G replaced by T.
Protein change: p.Lys1106Asn; replaces lysine 1106 with asparagine.
Molecular consequence: missense variant.
Genome position (GRCh38, 1-based): chr14:23,420,976, C>A on the plus strand (G>T on the coding strand, the complement: MYH7 is on the minus strand). VCF-style: chr14-23420976-C-A. GRCh37 (hg19) VCF-style: chr14-23890185-C-A.
Other names: c.3318G>T, p.Lys1106Asn (NM_001407004.1); short protein forms K1106N.
Identifiers: ClinVar variation 2773934 (VCV002773934.2), dbSNP rs575577624, ClinGen allele CA036734.

ClinVar aggregate classification (germline): Uncertain significance (1 of 4 stars; one submission).

Conditions:
Cardiomyopathy (CMYO). Also called: Cardiomyopathies. Identifiers: Orphanet 167848, MedGen C0878544, MONDO:0004994, HP:0001638. Inheritance: Various modes of inheritance.

Allele frequency attached by ClinVar (database versions not stated): 1000 Genomes Project 0.00020; 1000 Genomes Project 30x 0.00031; ExAC 0.00001; gnomAD 0.00001.
gnomAD v4.1: 1 of 1,612,354 alleles (0.000062%); highest among the groups gnomAD compares: South Asian, 0.0011%; no homozygotes.

Submission:

Color Diagnostics, LLC DBA Color Health
Classification: Uncertain significance for Cardiomyopathy. Last evaluated: 2022-12-05. Review status: criteria provided, single submitter. Criteria: ACMG Guidelines, 2015. Collection method: clinical testing. Allele origin: germline.
Comment: This missense variant replaces lysine with asparagine at codon 1106 of the MYH7 protein. Computational prediction is inconclusive regarding the impact of this variant on protein structure and function (internally defined REVEL score threshold 0.5 < inconclusive < 0.7, PMID: 27666373). To our knowledge, functional studies have not been reported for this variant. This variant has not been reported in individuals affected with MYH7-related disorders in the literature. This variant has been identified in 1/251394 chromosomes in the general population by the Genome Aggregation Database (gnomAD). The available evidence is insufficient to determine the role of this variant in disease conclusively. Therefore, this variant is classified as a Variant of Uncertain Significance.